The following is an entry in ClinVar:

ClinVar aggregate classification (germline): Uncertain significance (1 of 4 stars; one submission).

Submission:

GeneDx
Classification: Uncertain significance. Last evaluated: 2023-05-11. Review status: criteria provided, single submitter. Criteria: GeneDx Variant Classification Process June 2021. Collection method: clinical testing. Allele origin: germline. Affected: yes.
Comment: Not observed at significant frequency in large population cohorts (gnomAD); In silico analysis supports a deleterious effect on splicing; Has not been previously published as pathogenic or benign to our knowledge

NM_001079872.2(CUL4B):c.1939-6_1939-3delinsA

Gene: CUL4B (cullin 4B; minus strand). Cytogenetic location: Xq24.
Variant type: Indel.
Coding change: c.1939-6_1939-3delinsA on transcript NM_001079872.2 (MANE Select); 6 bases into the intron before coding-DNA position 1939 through 3 bases into the intron before coding-DNA position 1939, TTAT replaced by A.
Molecular consequence: intron variant.
Genome position (GRCh38, 1-based): chrX:120,537,037-120,537,040, ATAA replaced by T on the plus strand (TTAT replaced by A on the coding strand, the reverse complement: CUL4B is on the minus strand). VCF-style: chrX-120537037-ATAA-T. GRCh37 (hg19) VCF-style: chrX-119670892-ATAA-T.
Other names: c.1993-6_1993-3delinsA (NM_003588.4); c.1954-6_1954-3delinsA (NM_001330624.2); c.1405-6_1405-3delinsA (NM_001369145.1).
Identifiers: ClinVar variation 2662297 (VCV002662297.1), dbSNP rs2521081249, ClinGen allele CA2695197181.